The following is an entry in ClinVar:

ClinVar aggregate classification (germline): Pathogenic (1 of 4 stars; one submission).

Submission:

ISCA site 17
Classification: Pathogenic. Last evaluated: 2011-08-12. Review status: criteria provided, single submitter. Criteria: Kaminsky et al. (Genet Med. 2011). Collection method: clinical testing. Allele origin: unknown. Affected: yes. Observed: 1 variant allele.
Comment: Copy number variation identified through the course of routine clinical cytogenomic testing in postnatal populations. Clinical assertions have been curated as described in Kaminsky et al. 2011.

GRCh38/hg38 17p12(chr17:14126296-15659587)x3

Genes: CDRT15 (CMT1A duplicated region transcript 15; minus strand), CDRT3 (CMT1A duplicated region transcript 3; minus strand), CDRT4 (CMT1A duplicated region transcript 4; minus strand), CDRT7 (CMT1A duplicated region transcript 7; plus strand), CDRT8 (CMT1A duplicated region transcript 8; minus strand) and 26 more. Cytogenetic location: 17p12.
Variant type: copy number gain.
Change: copy number 3 (three copies instead of two) of chr17:14,126,296-15,659,587 (1.53 Mb, GRCh38 coordinates, 1-based), cytogenetic band 17p12.
Identifiers: ClinVar variation 58100 (VCV000058100.1).